The following is an entry in ClinVar:

ClinVar aggregate classification (germline): Likely benign. Review status: criteria provided, multiple submitters, no conflicts (2 of 4 stars). 2 submissions from 2 submitters: Likely benign (2). Last evaluated 2025-02-12.

Conditions:
ELMOD3-related disorder. Also called: ELMOD3-related condition.

Allele frequency attached by ClinVar (database versions not stated): gnomAD 0.00007; TOPMed 0.00007; ESP Exome Variant Server 0.00008.
gnomAD v4.1: 35 of 1,613,848 alleles (0.0022%); highest among the groups gnomAD compares: African/African-American, 0.016%; no homozygotes.

Submissions (2):

PreventionGenetics, part of Exact Sciences
Classification: Likely benign for ELMOD3-related condition. Last evaluated: 2025-02-12. Review status: criteria provided, single submitter. Criteria: ACMG Guidelines, 2015. Collection method: clinical testing. Allele origin: germline.
Comment: This variant is classified as likely benign based on ACMG/AMP sequence variant interpretation guidelines (Richards et al. 2015 PMID: 25741868, with internal and published modifications).

Labcorp Genetics (formerly Invitae), Labcorp
Classification: Likely benign. Last evaluated: 2023-02-22. Review status: criteria provided, single submitter. Criteria: Invitae Variant Classification Sherloc (09022015). Collection method: clinical testing. Allele origin: germline.

NM_001135022.2(ELMOD3):c.268+10C>T

Gene: ELMOD3 (ELMO domain containing 3; plus strand). Cytogenetic location: 2p11.2.
Variant type: single nucleotide variant.
Coding change: c.268+10C>T on transcript NM_001135022.2 (MANE Select); 10 bases into the intron after coding-DNA position 268, C replaced by T.
Molecular consequence: intron variant.
Genome position (GRCh38, 1-based): chr2:85,368,764, C>T. VCF-style: chr2-85368764-C-T. GRCh37 (hg19) VCF-style: chr2-85595887-C-T.
Other names: c.268+10C>T (NM_001135021.1, NM_001329791.2, NM_001135021.2 and 4 more transcripts).
Identifiers: ClinVar variation 2900684 (VCV002900684.4), dbSNP rs370500612, ClinGen allele CA1740271.